The following is an entry in ClinVar:

ClinVar aggregate classification (germline): Uncertain significance (1 of 4 stars; one submission).

Conditions:
Hereditary cancer-predisposing syndrome. Also called: Neoplastic Syndromes, Hereditary; Tumor predisposition; Hereditary neoplastic syndrome; Hereditary Cancer Syndrome. Identifiers: Orphanet 140162, MedGen C0027672, MeSH D009386, MONDO:0015356.

gnomAD v4.1: 1 of 1,612,272 alleles (0.000062%); highest among the groups gnomAD compares: South Asian, 0.0011%; no homozygotes.

Submission:

Ambry Genetics
Classification: Uncertain significance for Hereditary cancer-predisposing syndrome. Last evaluated: 2023-11-19. Review status: criteria provided, single submitter. Criteria: Ambry Variant Classification Scheme 2023. Collection method: clinical testing. Allele origin: germline.
Comment: The p.R418L variant (also known as c.1253G>T), located in coding exon 12 of the NF2 gene, results from a G to T substitution at nucleotide position 1253. The arginine at codon 418 is replaced by leucine, an amino acid with dissimilar properties. This amino acid position is conserved. In addition, the in silico prediction for this alteration is inconclusive. Since supporting evidence is limited at this time, the clinical significance of this alteration remains unclear.

NM_000268.4(NF2):c.1253G>T (p.Arg418Leu)

Gene: NF2 (NF2, moesin-ezrin-radixin like (MERLIN) tumor suppressor; plus strand). Cytogenetic location: 22q12.2.
Variant type: single nucleotide variant.
Coding change: c.1253G>T on transcript NM_000268.4 (MANE Select); coding-DNA position 1253, G replaced by T.
Protein change: p.Arg418Leu; replaces arginine 418 with leucine.
Molecular consequence: missense variant. On other transcripts: intron variant (1).
Genome position (GRCh38, 1-based): chr22:29,673,399, G>T. VCF-style: chr22-29673399-G-T. GRCh37 (hg19) VCF-style: chr22-30069388-G-T.
Other names: c.1139G>T, p.Arg380Leu (NM_001407053.1, NM_001407056.1); c.1130G>T, p.Arg377Leu (NM_001407054.1, NM_001407058.1, NM_181829.3); c.1127G>T, p.Arg376Leu (NM_001407055.1, NM_181828.3); c.1118G>T, p.Arg373Leu (NM_001407057.1, NM_001407059.1); c.1253G>T, p.Arg418Leu (NM_001407060.1, NM_001407066.1, NM_016418.5 and 2 more transcripts); c.995G>T, p.Arg332Leu (NM_001407062.1); c.1004G>T, p.Arg335Leu (NM_001407063.1, NM_001407064.1, NM_181830.3 and 1 more transcripts); c.719G>T, p.Arg240Leu (NM_001407065.1); and 2 more; short protein forms R240L, R332L, R335L, R341L, R373L, R376L, R377L, R380L.
Identifiers: ClinVar variation 3231075 (VCV003231075.1), dbSNP rs548217466, ClinGen allele CA411148330.